The following is an entry in ClinVar:

NM_033305.3(VPS13A):c.8864G>A (p.Gly2955Asp)

Gene: VPS13A (vacuolar protein sorting 13 homolog A; plus strand). Cytogenetic location: 9q21.2.
Variant type: single nucleotide variant.
Coding change: c.8864G>A on transcript NM_033305.3 (MANE Select); coding-DNA position 8864, G replaced by A.
Protein change: p.Gly2955Asp; replaces glycine 2955 with aspartic acid.
Molecular consequence: missense variant.
Genome position (GRCh38, 1-based): chr9:77,370,535, G>A. VCF-style: chr9-77370535-G-A. GRCh37 (hg19) VCF-style: chr9-79985451-G-A.
Other names: c.8747G>A, p.Gly2916Asp (NM_001018037.2); c.8864G>A, p.Gly2955Asp (NM_001018038.3, NM_015186.4); short protein forms G2916D, G2955D.
Identifiers: ClinVar variation 3188764 (VCV003188764.2), dbSNP rs766957571, ClinGen allele CA5093776.

ClinVar aggregate classification (germline): Conflicting classifications of pathogenicity. Review status: criteria provided, conflicting classifications (1 of 4 stars). 2 submissions from 2 submitters: Uncertain significance (1); Likely benign (1). Last evaluated 2024-04-25.

Conditions:
Inborn genetic diseases. Identifiers: MedGen C0950123, MeSH D030342.

Allele frequency attached by ClinVar (database versions not stated): gnomAD 0.00001; TOPMed 0.00005.
gnomAD v4.1: 14 of 1,614,044 alleles (0.00087%); highest among the groups gnomAD compares: Middle Eastern, 0.033%; no homozygotes.

Submissions (2):

Labcorp Genetics (formerly Invitae), Labcorp
Classification: Uncertain significance. Last evaluated: 2024-04-25. Review status: criteria provided, single submitter. Criteria: Invitae Variant Classification Sherloc (09022015). Collection method: clinical testing. Allele origin: germline.
Comment: This sequence change replaces glycine, which is neutral and non-polar, with aspartic acid, which is acidic and polar, at codon 2955 of the VPS13A protein (p.Gly2955Asp). This variant is present in population databases (rs766957571, gnomAD 0.06%). This variant has not been reported in the literature in individuals affected with VPS13A-related conditions. An algorithm developed to predict the effect of missense changes on protein structure and function (PolyPhen-2) suggests that this variant is likely to be disruptive. In summary, the available evidence is currently insufficient to determine the role of this variant in disease. Therefore, it has been classified as a Variant of Uncertain Significance.

Ambry Genetics
Classification: Likely benign for Inborn genetic diseases. Last evaluated: 2023-09-21. Review status: criteria provided, single submitter. Criteria: Ambry Variant Classification Scheme 2023. Collection method: clinical testing. Allele origin: germline.